The following is an entry in ClinVar:

ClinVar aggregate classification (germline): Conflicting classifications of pathogenicity. Review status: criteria provided, conflicting classifications (1 of 4 stars). 7 submissions from 7 submitters: Uncertain significance (5); Likely benign (1). 1 of the submissions does not count toward it. Last evaluated 2025-12-11.

Conditions:
GATA4-related disorder. Also called: GATA4-related condition. Identifiers: MedGen CN860321.
Testicular anomalies with or without congenital heart disease (TACHD). Identifiers: Orphanet 251510, MedGen C3809858, MONDO:0014239, OMIM 615542.
Atrioventricular septal defect 4 (AVSD4). Identifiers: MedGen C3280781, MONDO:0013747, OMIM 614430.
Cardiovascular phenotype. Identifiers: MedGen CN230736.

Allele frequency attached by ClinVar (database versions not stated): TOPMed 0.00002.
gnomAD v4.1: 22 of 1,614,044 alleles (0.0014%); highest among the groups gnomAD compares: East Asian, 0.013%; 1 homozygote.

Submissions (7):

Labcorp Genetics (formerly Invitae), Labcorp
Classification: Uncertain significance for Atrioventricular septal defect 4. Last evaluated: 2025-12-11. Review status: criteria provided, single submitter. Criteria: Invitae Variant Classification Sherloc (09022015). Collection method: clinical testing. Allele origin: germline.
Comment: This sequence change replaces tyrosine, which is neutral and polar, with phenylalanine, which is neutral and non-polar, at codon 410 of the GATA4 protein (p.Tyr410Phe). This variant is present in population databases (no rsID available, gnomAD 0.06%). This variant has not been reported in the literature in individuals affected with GATA4-related conditions. ClinVar contains an entry for this variant (Variation ID: 849443). Invitae Evidence Modeling of protein sequence and biophysical properties (such as structural, functional, and spatial information, amino acid conservation, physicochemical variation, residue mobility, and thermodynamic stability) indicates that this missense variant is not expected to disrupt GATA4 protein function with a negative predictive value of 95%. In summary, the available evidence is currently insufficient to determine the role of this variant in disease. Therefore, it has been classified as a Variant of Uncertain Significance.

Ambry Genetics
Classification: Uncertain significance for Cardiovascular phenotype. Last evaluated: 2025-05-24. Review status: criteria provided, single submitter. Criteria: Ambry Variant Classification Scheme 2023. Collection method: clinical testing. Allele origin: germline.
Comment: The p.Y410F variant (also known as c.1229A>T), located in coding exon 6 of the GATA4 gene, results from an A to T substitution at nucleotide position 1229. The tyrosine at codon 410 is replaced by phenylalanine, an amino acid with highly similar properties. This amino acid position is conserved. In addition, the in silico prediction for this alteration is inconclusive. Since supporting evidence is limited at this time, the clinical significance of this alteration remains unclear.

Blueprint Genetics
Classification: Likely benign. Last evaluated: 2024-06-14. Review status: criteria provided, single submitter. Criteria: ACMG Guidelines, 2015. Collection method: clinical testing. Allele origin: germline.

GeneDx
Classification: Uncertain significance. Last evaluated: 2024-01-18. Review status: criteria provided, single submitter. Criteria: GeneDx Variant Classification Process June 2021. Collection method: clinical testing. Allele origin: germline. Affected: yes.
Comment: Has not been previously published as pathogenic or benign to our knowledge; Not observed at significant frequency in large population cohorts (gnomAD); In silico analysis supports that this missense variant does not alter protein structure/function

Genetic Services Laboratory, University of Chicago
Classification: Uncertain significance. Last evaluated: 2021-05-24. Review status: criteria provided, single submitter. Criteria: ACMG Guidelines, 2015. Collection method: clinical testing. Allele origin: germline. Affected: no.
Comment: DNA sequence analysis of the GATA4 gene demonstrated a sequence change, c.1229A>T, in exon 7 that results in an amino acid change, p.Tyr410Phe. This sequence change has been described in gnomAD with a frequency of 0.064% in the East Asia sub-population (dbSNP rs909187176). The p.Tyr410Phe change affects a moderately conserved amino acid residue located in a domain of the GATA4 protein that is known to be functional. The p.Tyr410Phe substitution appears to be benign using several in-silico pathogenicity prediction tools (SIFT, PolyPhen2, Align GVGD, REVEL). This sequence change does not appear to have been previously described in patients with GATA4-related disorders. Due to the lack of sufficient evidences, the clinical significance of the p.Tyr410Phe change remains unknown at this time.

Baylor Genetics
Classification: Uncertain significance for Testicular anomalies with or without congenital heart disease. Last evaluated: 2018-02-27. Review status: criteria provided, single submitter. Criteria: ACMG Guidelines, 2015. Collection method: clinical testing. Allele origin: maternal. Affected: yes.
Comment: This variant was determined to be of uncertain significance according to ACMG Guidelines, 2015 [PMID:25741868].

PreventionGenetics, part of Exact Sciences
Classification: Likely benign for GATA4-related condition. Last evaluated: 2024-05-08. Review status: no assertion criteria provided. Collection method: clinical testing. Allele origin: germline. Not counted in ClinVar's aggregate classification.
Comment: This variant is classified as likely benign based on ACMG/AMP sequence variant interpretation guidelines (Richards et al. 2015 PMID: 25741868, with internal and published modifications).

NM_001308093.3(GATA4):c.1232A>T (p.Tyr411Phe)

Gene: GATA4 (GATA binding protein 4). Cytogenetic location: 8p23.1.
Variant type: single nucleotide variant.
Coding change: c.1232A>T on transcript NM_001308093.3 (MANE Select); coding-DNA position 1232, A replaced by T.
Protein change: p.Tyr411Phe; replaces tyrosine 411 with phenylalanine.
Molecular consequence: missense variant.
Genome position (GRCh38, 1-based): chr8:11,758,375, A>T. VCF-style: chr8-11758375-A-T. GRCh37 (hg19) VCF-style: chr8-11615884-A-T.
Other names: c.611A>T, p.Tyr204Phe (NM_001308094.2, NM_001374273.1); c.485A>T, p.Tyr162Phe (NM_001374274.1); c.1229A>T, p.Tyr410Phe (NM_002052.5); short protein forms Y204F, Y162F, Y410F, Y411F.
Identifiers: ClinVar variation 849443 (VCV000849443.24), dbSNP rs909187176, ClinGen allele CA172121445.
Genomic context (GRCh38, chr8:11,758,375, plus strand): 5'-CTGGCCATGGGCCCTCCATCCACCCTGTCCTCTCGGCCCTGAAGCTCTCCCCACAAGGCT[A>T]TGCGTCTCCCGTCAGCCAGTCTCCACAGACCAGCTCCAAGCAGGACTCTTGGAACAGCCT-3'
Protein context (NP_001295022.1, residues 401-421): LSALKLSPQG[Tyr411Phe]ASPVSQSPQT